The following is an entry in ClinVar:

NM_006204.4(PDE6C):c.2497C>G (p.Gln833Glu)

Gene: PDE6C (phosphodiesterase 6C; plus strand). Cytogenetic location: 10q23.33.
Variant type: single nucleotide variant.
Coding change: c.2497C>G on transcript NM_006204.4 (MANE Select); coding-DNA position 2497, C replaced by G.
Protein change: p.Gln833Glu; replaces glutamine 833 with glutamic acid.
Molecular consequence: missense variant.
Genome position (GRCh38, 1-based): chr10:93,663,157, C>G. VCF-style: chr10-93663157-C-G. GRCh37 (hg19) VCF-style: chr10-95422914-C-G.
Other names: short protein forms Q833E.
Identifiers: ClinVar variation 806547 (VCV000806547.48), dbSNP rs1467953620, ClinGen allele CA377629681.

ClinVar aggregate classification (germline): Uncertain significance. Review status: criteria provided, multiple submitters, no conflicts (2 of 4 stars). 2 submissions from 2 submitters: Uncertain significance (2). Last evaluated 2020-11-02.

Allele frequency attached by ClinVar (database versions not stated): gnomAD exomes below 0.00001; TOPMed below 0.00001; gnomAD 0.00001.
gnomAD v4.1: 2 of 1,613,354 alleles (0.00012%); highest among the groups gnomAD compares: Non-Finnish European, 0.00017%; no homozygotes.

Submissions (2):

Labcorp Genetics (formerly Invitae), Labcorp
Classification: Uncertain significance. Last evaluated: 2020-11-02. Review status: criteria provided, single submitter. Criteria: Invitae Variant Classification Sherloc (09022015). Collection method: clinical testing. Allele origin: germline.
Comment: In summary, the available evidence is currently insufficient to determine the role of this variant in disease. Therefore, it has been classified as a Variant of Uncertain Significance. Algorithms developed to predict the effect of missense changes on protein structure and function (SIFT, PolyPhen-2, Align-GVGD) all suggest that this variant is likely to be tolerated, but these predictions have not been confirmed by published functional studies and their clinical significance is uncertain. This variant has not been reported in the literature in individuals with PDE6C-related conditions. ClinVar contains an entry for this variant (Variation ID: 806547). This variant is not present in population databases (ExAC no frequency). This sequence change replaces glutamine with glutamic acid at codon 833 of the PDE6C protein (p.Gln833Glu). The glutamine residue is moderately conserved and there is a small physicochemical difference between glutamine and glutamic acid.

CeGaT Center for Human Genetics Tuebingen
Classification: Uncertain significance. Last evaluated: 2019-06-01. Review status: criteria provided, single submitter. Criteria: CeGaT Center For Human Genetics Tuebingen Variant Classification Criteria Version 2. Collection method: clinical testing. Allele origin: germline. Affected: yes. Observed: 1 variant allele.